The following is an entry in ClinVar:

ClinVar aggregate classification (germline): Uncertain significance. Review status: criteria provided, multiple submitters, no conflicts (2 of 4 stars). 2 submissions from 2 submitters: Uncertain significance (2). Last evaluated 2022-06-19.

Conditions:
Inborn genetic diseases. Identifiers: MedGen C0950123, MeSH D030342.

Allele frequency attached by ClinVar (database versions not stated): ESP Exome Variant Server 0.00008.
gnomAD v4.1: 16 of 1,614,040 alleles (0.00099%); highest among the groups gnomAD compares: African/African-American, 0.0027%; no homozygotes.

Submissions (2):

Labcorp Genetics (formerly Invitae), Labcorp
Classification: Uncertain significance. Last evaluated: 2022-06-19. Review status: criteria provided, single submitter. Criteria: Invitae Variant Classification Sherloc (09022015). Collection method: clinical testing. Allele origin: germline.
Comment: This sequence change replaces glycine, which is neutral and non-polar, with arginine, which is basic and polar, at codon 2770 of the LAMA1 protein (p.Gly2770Arg). This variant is present in population databases (rs368663897, gnomAD 0.003%). This variant has not been reported in the literature in individuals affected with LAMA1-related conditions. Algorithms developed to predict the effect of missense changes on protein structure and function are either unavailable or do not agree on the potential impact of this missense change (SIFT: "Tolerated"; PolyPhen-2: "Probably Damaging"; Align-GVGD: "Class C0"). In summary, the available evidence is currently insufficient to determine the role of this variant in disease. Therefore, it has been classified as a Variant of Uncertain Significance.

Ambry Genetics
Classification: Uncertain significance for Inborn genetic diseases. Last evaluated: 2021-06-23. Review status: criteria provided, single submitter. Criteria: Ambry Variant Classification Scheme 2023. Collection method: clinical testing. Allele origin: germline.

NM_005559.4(LAMA1):c.8308G>C (p.Gly2770Arg)

Gene: LAMA1 (laminin subunit alpha 1; minus strand). Cytogenetic location: 18p11.31.
Variant type: single nucleotide variant.
Coding change: c.8308G>C on transcript NM_005559.4 (MANE Select); coding-DNA position 8308, G replaced by C.
Protein change: p.Gly2770Arg; replaces glycine 2770 with arginine.
Molecular consequence: missense variant.
Genome position (GRCh38, 1-based): chr18:6,950,871, C>G on the plus strand (G>C on the coding strand, the complement: LAMA1 is on the minus strand). VCF-style: chr18-6950871-C-G. GRCh37 (hg19) VCF-style: chr18-6950870-C-G.
Other names: short protein forms G2770R.
Identifiers: ClinVar variation 1978105 (VCV001978105.6), dbSNP rs368663897, ClinGen allele CA8880517.